The following is an entry in ClinVar:

NM_031935.3(HMCN1):c.338A>G (p.Gln113Arg)

Gene: HMCN1 (hemicentin 1; plus strand). Cytogenetic location: 1q31.1.
Variant type: single nucleotide variant.
Coding change: c.338A>G on transcript NM_031935.3 (MANE Select); coding-DNA position 338, A replaced by G.
Protein change: p.Gln113Arg; replaces glutamine 113 with arginine.
Molecular consequence: missense variant.
Genome position (GRCh38, 1-based): chr1:185,846,095, A>G. VCF-style: chr1-185846095-A-G. GRCh37 (hg19) VCF-style: chr1-185815227-A-G.
Other names: short protein forms Q113R.
Identifiers: ClinVar variation 2987681 (VCV002987681.3), dbSNP rs760866986, ClinGen allele CA1290792.

ClinVar aggregate classification (germline): Uncertain significance (1 of 4 stars; one submission).

Allele frequency attached by ClinVar (database versions not stated): gnomAD exomes below 0.00001; TOPMed below 0.00001; ExAC 0.00001; gnomAD 0.00001.
gnomAD v4.1: 7 of 1,605,820 alleles (0.00044%); highest among the groups gnomAD compares: Admixed American, 0.012%; no homozygotes.

Submission:

Labcorp Genetics (formerly Invitae), Labcorp
Classification: Uncertain significance. Last evaluated: 2023-08-10. Review status: criteria provided, single submitter. Criteria: Invitae Variant Classification Sherloc (09022015). Collection method: clinical testing. Allele origin: germline.
Comment: This variant is present in population databases (rs760866986, gnomAD 0.01%). This variant has not been reported in the literature in individuals affected with HMCN1-related conditions. An algorithm developed to predict the effect of missense changes on protein structure and function (PolyPhen-2) suggests that this variant is likely to be disruptive. In summary, the available evidence is currently insufficient to determine the role of this variant in disease. Therefore, it has been classified as a Variant of Uncertain Significance. This sequence change replaces glutamine, which is neutral and polar, with arginine, which is basic and polar, at codon 113 of the HMCN1 protein (p.Gln113Arg).